The following is an entry in ClinVar:

ClinVar aggregate classification (germline): Uncertain significance (1 of 4 stars; one submission).

gnomAD v4.1: 2 of 1,609,214 alleles (0.00012%); highest among the groups gnomAD compares: Admixed American, 0.0017%; no homozygotes.

Submission:

Ambry Genetics
Classification: Uncertain significance. Last evaluated: 2026-01-10. Review status: criteria provided, single submitter. Criteria: Ambry Variant Classification Scheme 2023. Collection method: clinical testing. Allele origin: germline.
Comment: The p.P1381Q variant (also known as c.4142C>A), located in coding exon 19 of the WNK2 gene, results from a C to A substitution at nucleotide position 4142. The proline at codon 1381 is replaced by glutamine, an amino acid with similar properties. This amino acid position is conserved. In addition, this alteration is predicted to be tolerated by in silico analysis. Based on the available evidence, the clinical significance of this variant remains unclear.

NM_006648.4(WNK2):c.4142C>A (p.Pro1381Gln)

Gene: WNK2 (WNK lysine deficient protein kinase 2; plus strand). Cytogenetic location: 9q22.31.
Variant type: single nucleotide variant.
Coding change: c.4142C>A on transcript NM_006648.4 (MANE Select); coding-DNA position 4142, C replaced by A.
Protein change: p.Pro1381Gln; replaces proline 1381 with glutamine.
Molecular consequence: missense variant.
Genome position (GRCh38, 1-based): chr9:93,288,896, C>A. VCF-style: chr9-93288896-C-A. GRCh37 (hg19) VCF-style: chr9-96051178-C-A.
Other names: c.4253C>A, p.Pro1418Gln (NM_001282394.3); short protein forms P1381Q, P1418Q.
Identifiers: ClinVar variation 4842134 (VCV004842134.1).